The following is an entry in ClinVar:

NM_003630.3(PEX3):c.235G>A (p.Ala79Thr)

Gene: PEX3 (peroxisomal biogenesis factor 3; plus strand). Cytogenetic location: 6q24.2.
Variant type: single nucleotide variant.
Coding change: c.235G>A on transcript NM_003630.3 (MANE Select); coding-DNA position 235, G replaced by A.
Protein change: p.Ala79Thr; replaces alanine 79 with threonine.
Molecular consequence: missense variant.
Genome position (GRCh38, 1-based): chr6:143,462,945, G>A. VCF-style: chr6-143462945-G-A. GRCh37 (hg19) VCF-style: chr6-143784082-G-A.
Other names: c.235G>A (NM_003630.2); short protein forms A79T.
Identifiers: ClinVar variation 1440067 (VCV001440067.4), dbSNP rs765803588, ClinGen allele CA4029505.

ClinVar aggregate classification (germline): Uncertain significance. Review status: criteria provided, multiple submitters, no conflicts (2 of 4 stars). 2 submissions from 2 submitters: Uncertain significance (2). Last evaluated 2026-09-13.

Conditions:
PEX3-related disorder. Also called: PEX3-related condition.

Allele frequency attached by ClinVar (database versions not stated): gnomAD 0.00001; TOPMed 0.00002.

Submissions (2):

PreventionGenetics, part of Exact Sciences
Classification: Uncertain significance for PEX3-related condition. Last evaluated: 2026-09-13. Review status: criteria provided, single submitter. Criteria: ACMG Guidelines, 2015. Collection method: clinical testing. Allele origin: germline.
Comment: The PEX3 c.235G>A variant is predicted to result in the amino acid substitution p.Ala79Thr. To our knowledge, this variant has not been reported in the literature. This variant is reported in 0.0062% of alleles in individuals of African descent in gnomAD. At this time, the clinical significance of this variant is uncertain due to the absence of conclusive functional and genetic evidence.

Labcorp Genetics (formerly Invitae), Labcorp
Classification: Uncertain significance. Last evaluated: 2022-08-16. Review status: criteria provided, single submitter. Criteria: Invitae Variant Classification Sherloc (09022015). Collection method: clinical testing. Allele origin: germline.
Comment: This sequence change replaces alanine, which is neutral and non-polar, with threonine, which is neutral and polar, at codon 79 of the PEX3 protein (p.Ala79Thr). This variant is present in population databases (rs765803588, gnomAD 0.007%). This variant has not been reported in the literature in individuals affected with PEX3-related conditions. ClinVar contains an entry for this variant (Variation ID: 1440067). Algorithms developed to predict the effect of missense changes on protein structure and function (SIFT, PolyPhen-2, Align-GVGD) all suggest that this variant is likely to be tolerated. In summary, the available evidence is currently insufficient to determine the role of this variant in disease. Therefore, it has been classified as a Variant of Uncertain Significance.